The following is an entry in ClinVar:

NM_000844.4(GRM7):c.129C>G (p.Ile43Met)

Gene: GRM7 (glutamate metabotropic receptor 7; plus strand). Cytogenetic location: 3p26.1.
Variant type: single nucleotide variant.
Coding change: c.129C>G on transcript NM_000844.4 (MANE Select); coding-DNA position 129, C replaced by G.
Protein change: p.Ile43Met; replaces isoleucine 43 with methionine.
Molecular consequence: missense variant.
Genome position (GRCh38, 1-based): chr3:6,861,517, C>G. VCF-style: chr3-6861517-C-G. GRCh37 (hg19) VCF-style: chr3-6903204-C-G.
Other names: c.129C>G, p.Ile43Met (NM_181874.3); short protein forms I43M.
Identifiers: ClinVar variation 4780258 (VCV004780258.1).

ClinVar aggregate classification (germline): Uncertain significance (1 of 4 stars; one submission).

Submission:

Labcorp Genetics (formerly Invitae), Labcorp
Classification: Uncertain significance. Last evaluated: 2026-01-05. Review status: criteria provided, single submitter. Criteria: Invitae Variant Classification Sherloc (09022015). Collection method: clinical testing. Allele origin: germline.
Comment: This sequence change replaces isoleucine, which is neutral and non-polar, with methionine, which is neutral and non-polar, at codon 43 of the GRM7 protein (p.Ile43Met). This variant is not present in population databases (gnomAD no frequency). This variant has not been reported in the literature in individuals affected with GRM7-related conditions. Invitae Evidence Modeling of protein sequence and biophysical properties (such as structural, functional, and spatial information, amino acid conservation, physicochemical variation, residue mobility, and thermodynamic stability) indicates that this missense variant is not expected to disrupt GRM7 protein function with a negative predictive value of 80%. In summary, the available evidence is currently insufficient to determine the role of this variant in disease. Therefore, it has been classified as a Variant of Uncertain Significance.